The following is an entry in ClinVar:

NM_001243133.2(NLRP3):c.511C>T (p.Leu171Phe)

Gene: NLRP3 (NLR family pyrin domain containing 3; plus strand). Cytogenetic location: 1q44.
Variant type: single nucleotide variant.
Coding change: c.511C>T on transcript NM_001243133.2 (MANE Select); coding-DNA position 511, C replaced by T.
Protein change: p.Leu171Phe; replaces leucine 171 with phenylalanine.
Molecular consequence: missense variant.
Genome position (GRCh38, 1-based): chr1:247,423,960, C>T. VCF-style: chr1-247423960-C-T. GRCh37 (hg19) VCF-style: chr1-247587262-C-T.
Other names: c.511C>T, p.Leu171Phe (NM_001079821.3, NM_001127461.3, NM_001127462.3 and 1 more transcripts); c.517C>T, p.Leu173Phe (NM_004895.5); short protein forms L171F, L173F.
Identifiers: ClinVar variation 4800137 (VCV004800137.1).

ClinVar aggregate classification (germline): Uncertain significance (1 of 4 stars; one submission).

Conditions:
Cryopyrin associated periodic syndrome (CAPS). Identifiers: Orphanet 208650, MedGen C2316212, MONDO:0016168.

Submission:

Labcorp Genetics (formerly Invitae), Labcorp
Classification: Uncertain significance for Cryopyrin associated periodic syndrome. Last evaluated: 2025-10-23. Review status: criteria provided, single submitter. Criteria: Invitae Variant Classification Sherloc (09022015). Collection method: clinical testing. Allele origin: germline.
Comment: This sequence change replaces leucine, which is neutral and non-polar, with phenylalanine, which is neutral and non-polar, at codon 173 of the NLRP3 protein (p.Leu173Phe). This variant is not present in population databases (gnomAD no frequency). This variant has not been reported in the literature in individuals affected with NLRP3-related conditions. Invitae Evidence Modeling of protein sequence and biophysical properties (such as structural, functional, and spatial information, amino acid conservation, physicochemical variation, residue mobility, and thermodynamic stability) has been performed for this missense variant. However, the output from this modeling did not meet the statistical confidence thresholds required to predict the impact of this variant on NLRP3 protein function. In summary, the available evidence is currently insufficient to determine the role of this variant in disease. Therefore, it has been classified as a Variant of Uncertain Significance.